The following is an entry in ClinVar:

NM_000552.5(VWF):c.4943del (p.Pro1648fs)

Gene: VWF (von Willebrand factor; minus strand). Cytogenetic location: 12p13.31.
Variant type: Deletion.
Coding change: c.4943del on transcript NM_000552.5 (MANE Select); coding-DNA position 4943, one base deleted (C; older notation c.4943delC).
Protein change: p.Pro1648fs; shifts the reading frame from proline 1648.
Molecular consequence: frameshift variant.
Genome position (GRCh38, 1-based): chr12:6,018,475, G deleted on the plus strand (C on the coding strand, the reverse complement: VWF is on the minus strand); the first of 4 consecutive G bases (chr12:6,018,475-6,018,478); deleting any one gives the same sequence. VCF-style (leftmost placement, unchanged base first): chr12-6018474-AG-A. GRCh37 (hg19) VCF-style: chr12-6127640-AG-A.
Other names: short protein forms P1648fs.
Identifiers: ClinVar variation 4685688 (VCV004685688.1).

ClinVar aggregate classification (germline): Pathogenic (1 of 4 stars; one submission).

Submission:

ARUP Laboratories, Molecular Genetics and Genomics, ARUP Laboratories
Classification: Pathogenic. Last evaluated: 2025-03-14. Review status: criteria provided, single submitter. Criteria: ARUP Molecular Germline Variant Investigation Process 2024. Collection method: clinical testing. Allele origin: germline.
Comment: The VWF c.4943del; p.Pro1648LeufsTer45 variant, to our knowledge, is not reported in the medical literature or gene specific databases. This variant is also absent from the Genome Aggregation Database (v2.1.1), indicating it is not a common polymorphism. This variant causes a frameshift by deleting a single nucleotide, so it is predicted to result in a truncated protein or mRNA subject to nonsense-mediated decay. Based on available information, this variant is considered to be pathogenic.